The following is an entry in ClinVar:

NM_025077.4(TOE1):c.1347T>C (p.Tyr449=)

Gene: TOE1 (target of EGR1, exonuclease; plus strand). Cytogenetic location: 1p34.1.
Variant type: single nucleotide variant.
Coding change: c.1347T>C on transcript NM_025077.4 (MANE Select); coding-DNA position 1347, T replaced by C.
Protein change: p.Tyr449=; no amino-acid change (tyrosine 449 retained).
Molecular consequence: synonymous variant.
Genome position (GRCh38, 1-based): chr1:45,343,516, T>C. VCF-style: chr1-45343516-T-C. GRCh37 (hg19) VCF-style: chr1-45809188-T-C.
Other names: c.1347T>C (NM_025077.3).
Identifiers: ClinVar variation 1974232 (VCV001974232.7), dbSNP rs770914298, ClinGen allele CA826817.

ClinVar aggregate classification (germline): Likely benign. Review status: criteria provided, single submitter (1 of 4 stars). 2 submissions from 2 submitters: Likely benign (1). 1 of the submissions does not count toward it. Last evaluated 2022-11-29.

Conditions:
TOE1-related disorder. Also called: TOE1-related condition.

Allele frequency attached by ClinVar (database versions not stated): gnomAD exomes below 0.00001; ExAC 0.00001; gnomAD 0.00001.
gnomAD v4.1: 5 of 1,613,988 alleles (0.00031%); highest among the groups gnomAD compares: Admixed American, 0.005%; no homozygotes.

Submissions (2):

Labcorp Genetics (formerly Invitae), Labcorp
Classification: Likely benign. Last evaluated: 2022-11-29. Review status: criteria provided, single submitter. Criteria: Invitae Variant Classification Sherloc (09022015). Collection method: clinical testing. Allele origin: germline.

PreventionGenetics, part of Exact Sciences
Classification: Likely benign for TOE1-related condition. Last evaluated: 2022-04-01. Review status: no assertion criteria provided. Collection method: clinical testing. Allele origin: germline. Not counted in ClinVar's aggregate classification.
Comment: This variant is classified as likely benign based on ACMG/AMP sequence variant interpretation guidelines (Richards et al. 2015 PMID: 25741868, with internal and published modifications).